The following is an entry in ClinVar:

NM_032119.4(ADGRV1):c.5479G>A (p.Gly1827Ser)

Gene: ADGRV1 (adhesion G protein-coupled receptor V1; plus strand). Cytogenetic location: 5q14.3.
Variant type: single nucleotide variant.
Coding change: c.5479G>A on transcript NM_032119.4 (MANE Select); coding-DNA position 5479, G replaced by A.
Protein change: p.Gly1827Ser; replaces glycine 1827 with serine.
Molecular consequence: missense variant. On other transcripts: non-coding transcript variant (1).
Genome position (GRCh38, 1-based): chr5:90,679,584, G>A. VCF-style: chr5-90679584-G-A. GRCh37 (hg19) VCF-style: chr5-89975401-G-A.
Other names: short protein forms G1827S.
Identifiers: ClinVar variation 1318972 (VCV001318972.2), dbSNP rs2149568332, ClinGen allele CA360412013.

ClinVar aggregate classification (germline): Uncertain significance (1 of 4 stars; one submission).

Submission:

GeneDx
Classification: Uncertain significance. Last evaluated: 2019-04-09. Review status: criteria provided, single submitter. Criteria: GeneDx Variant Classification Process June 2021. Collection method: clinical testing. Allele origin: germline. Affected: yes.
Comment: Not observed in large population cohorts (Lek et al., 2016); In silico analysis, which includes protein predictors and evolutionary conservation, supports that this variant does not alter protein structure/function; Has not been previously published as pathogenic or benign to our knowledge